The following is an entry in ClinVar:

ClinVar aggregate classification (germline): Likely benign (1 of 4 stars; one submission).

gnomAD v4.1: 6 of 1,500,238 alleles (0.0004%); highest among the groups gnomAD compares: Non-Finnish European, 0.00053%; no homozygotes.

Submission:

GeneDx
Classification: Likely benign. Last evaluated: 2018-03-07. Review status: criteria provided, single submitter. Criteria: GeneDx Variant Classification (06012015). Collection method: clinical testing. Allele origin: germline. Affected: yes.
Comment: This variant is considered likely benign or benign based on one or more of the following criteria: it is a conservative change, it occurs at a poorly conserved position in the protein, it is predicted to be benign by multiple in silico algorithms, and/or has population frequency not consistent with disease.

NM_003119.4(SPG7):c.21G>A (p.Leu7=)

Genes: SPG7 (SPG7 matrix AAA peptidase subunit, paraplegin; plus strand), LOC130059818 (ATAC-STARR-seq lymphoblastoid silent region 7911; plus strand). Cytogenetic location: 16q24.3.
Variant type: single nucleotide variant.
Coding change: c.21G>A on transcript NM_003119.4 (MANE Select); coding-DNA position 21, G replaced by A.
Protein change: p.Leu7=; no amino-acid change (leucine 7 retained).
Molecular consequence: synonymous variant.
Genome position (GRCh38, 1-based): chr16:89,508,438, G>A. VCF-style: chr16-89508438-G-A. GRCh37 (hg19) VCF-style: chr16-89574846-G-A.
Other names: c.21G>A, p.Leu7= (NM_001363850.1, NM_199367.3).
Identifiers: ClinVar variation 515759 (VCV000515759.1), dbSNP rs753694369, ClinGen allele CA497174858.